The following is an entry in ClinVar:

ClinVar aggregate classification (germline): Uncertain significance (1 of 4 stars; one submission).

Allele frequency attached by ClinVar (database versions not stated): gnomAD exomes below 0.00001.
gnomAD v4.1: 3 of 1,612,512 alleles (0.00019%); highest among the groups gnomAD compares: Non-Finnish European, 0.00025%; no homozygotes.

Submission:

GeneDx
Classification: Uncertain significance. Last evaluated: 2022-05-26. Review status: criteria provided, single submitter. Criteria: GeneDx Variant Classification Process June 2021. Collection method: clinical testing. Allele origin: germline. Affected: yes.
Comment: Not observed at significant frequency in large population cohorts (gnomAD); In silico analysis supports that this missense variant does not alter protein structure/function; Has not been previously published as pathogenic or benign to our knowledge

NM_020297.4(ABCC9):c.758T>C (p.Ile253Thr)

Gene: ABCC9 (ATP binding cassette subfamily C member 9; minus strand). Cytogenetic location: 12p12.1.
Variant type: single nucleotide variant.
Coding change: c.758T>C on transcript NM_020297.4 (MANE Select); coding-DNA position 758, T replaced by C.
Protein change: p.Ile253Thr; replaces isoleucine 253 with threonine.
Molecular consequence: missense variant. On other transcripts: intron variant (1).
Genome position (GRCh38, 1-based): chr12:21,915,726, A>G on the plus strand (T>C on the coding strand, the complement: ABCC9 is on the minus strand). VCF-style: chr12-21915726-A-G. GRCh37 (hg19) VCF-style: chr12-22068660-A-G.
Other names: c.758T>C, p.Ile253Thr (NM_001377273.1, NM_005691.4); c.-48-2660T>C (NM_001377274.1); short protein forms I253T.
Identifiers: ClinVar variation 1800900 (VCV001800900.1), dbSNP rs2541735186, ClinGen allele CA384123710.
Genomic context (GRCh38, chr12:21,915,726, plus strand): 5'-ACCTTTTGTTCTTCATATGCATCTTTCAGGCAAACATAATTTGTTACTGCTCTCATTGCT[A>G]TTGGCAATTTTCCAATTGCCTTCAGATCAATAGGCTTTTTGTGAGCAGATATAATAAGTG-3'
Protein context (NP_064693.2, residues 243-263): IDLKAIGKLP[Ile253Thr]AMRAVTNYVC